The following is an entry in ClinVar:

ClinVar aggregate classification (germline): Conflicting classifications of pathogenicity. Review status: criteria provided, conflicting classifications (1 of 4 stars). 3 submissions from 3 submitters: Uncertain significance (2); Likely benign (1). Last evaluated 2025-04-18.

Conditions:
Inborn genetic diseases. Identifiers: MedGen C0950123, MeSH D030342.

Allele frequency attached by ClinVar (database versions not stated): gnomAD 0.00001; gnomAD exomes 0.00001 and 0.00002; ExAC 0.00002; TOPMed 0.00002.

Submissions (3):

Ambry Genetics
Classification: Likely benign for Inborn genetic diseases. Last evaluated: 2025-04-18. Review status: criteria provided, single submitter. Criteria: Ambry Variant Classification Scheme 2023. Collection method: clinical testing. Allele origin: germline.

Labcorp Genetics (formerly Invitae), Labcorp
Classification: Uncertain significance. Last evaluated: 2024-04-25. Review status: criteria provided, single submitter. Criteria: Invitae Variant Classification Sherloc (09022015). Collection method: clinical testing. Allele origin: germline.
Comment: This sequence change replaces glutamic acid, which is acidic and polar, with lysine, which is basic and polar, at codon 3 of the DDX41 protein (p.Glu3Lys). This variant is present in population databases (rs779986873, gnomAD 0.02%). This missense change has been observed in individual(s) with clinical features of DDX41-related conditions (PMID: 33626862, 36322930). ClinVar contains an entry for this variant (Variation ID: 1304532). An algorithm developed to predict the effect of missense changes on protein structure and function (PolyPhen-2) suggests that this variant is likely to be tolerated. In summary, the available evidence is currently insufficient to determine the role of this variant in disease. Therefore, it has been classified as a Variant of Uncertain Significance.

GeneDx
Classification: Uncertain significance. Last evaluated: 2020-06-11. Review status: criteria provided, single submitter. Criteria: GeneDx Variant Classification Process June 2021. Collection method: clinical testing. Allele origin: germline. Affected: yes.
Comment: Not observed at a significant frequency in large population cohorts (Lek 2016); In silico analysis supports that this missense variant does not alter protein structure/function; Observed in individuals with a personal or family history of leukemia (Maciejewski 2017); This variant is associated with the following publications: (PMID: 28637623)

Literature cited by the submitters: PubMed 33626862 (cited by Labcorp Genetics (formerly Invitae), Labcorp); PubMed 36322930 (cited by Labcorp Genetics (formerly Invitae), Labcorp).

NM_016222.4(DDX41):c.7G>A (p.Glu3Lys)

Gene: DDX41 (DEAD-box helicase 41; minus strand). Cytogenetic location: 5q35.3.
Variant type: single nucleotide variant.
Coding change: c.7G>A on transcript NM_016222.4 (MANE Select); coding-DNA position 7, G replaced by A.
Protein change: p.Glu3Lys; replaces glutamic acid 3 with lysine.
Molecular consequence: missense variant. On other transcripts: 5 prime UTR variant (2).
Genome position (GRCh38, 1-based): chr5:177,516,939, C>T on the plus strand (G>A on the coding strand, the complement: DDX41 is on the minus strand). VCF-style: chr5-177516939-C-T. GRCh37 (hg19) VCF-style: chr5-176943940-C-T.
Other names: c.-649G>A (NM_001321732.2); c.-441G>A (NM_001321830.2); short protein forms E3K.
Identifiers: ClinVar variation 1304532 (VCV001304532.5), dbSNP rs779986873, ClinGen allele CA3585441.
Genomic context (GRCh38, chr5:177,516,939, plus strand): 5'-CGCCCGCTCCCACACGCGCGGGGTCTCGCCTCTCTCCTACCTTCCGTTCGGGTTCCGACT[C>T]CTCCATTCTTTGCTGCACGCATGCGCGCCACGGCGAAACCCCGCCTCATCCTTGCGTGAG-3'
Protein context (NP_057306.2, residues 1-13): ME[Glu3Lys]SEPERKRART